The following is an entry in ClinVar:

ClinVar aggregate classification (germline): Likely pathogenic (1 of 4 stars; one submission).

Conditions:
Autosomal recessive nonsyndromic hearing loss 3. Also called: NEUROSENSORY NONSYNDROMIC RECESSIVE DEAFNESS 3. Identifiers: Orphanet 90636, MedGen C1838263, MONDO:0010860, OMIM 600316.

Submission:

Institute of Rare Diseases, West China Hospital, Sichuan University
Classification: Likely pathogenic for Autosomal recessive nonsyndromic hearing loss 3. Last evaluated: 2025-01-09. Review status: criteria provided, single submitter. Criteria: ClinGen HL ACMG Specifications v1. Collection method: research. Allele origin: germline. Affected: yes.
Comment: PP3;PM3_Strong;PM2_Supporting

NM_016239.4(MYO15A):c.7327+5G>C

Gene: MYO15A (myosin XVA; plus strand). Cytogenetic location: 17p11.2.
Variant type: single nucleotide variant.
Coding change: c.7327+5G>C on transcript NM_016239.4 (MANE Select); 5 bases into the intron after coding-DNA position 7327, G replaced by C.
Molecular consequence: intron variant.
Genome position (GRCh38, 1-based): chr17:18,150,548, G>C. VCF-style: chr17-18150548-G-C. GRCh37 (hg19) VCF-style: chr17-18053862-G-C.
Identifiers: ClinVar variation 3601388 (VCV003601388.1).